The following is an entry in ClinVar:

NM_024417.5(FDXR):c.1402C>T (p.Arg468Trp)

Gene: FDXR (ferredoxin reductase; minus strand). Cytogenetic location: 17q25.1.
Variant type: single nucleotide variant.
Coding change: c.1402C>T on transcript NM_024417.5 (MANE Select); coding-DNA position 1402, C replaced by T.
Protein change: p.Arg468Trp; replaces arginine 468 with tryptophan.
Molecular consequence: missense variant. On other transcripts: non-coding transcript variant (1).
Genome position (GRCh38, 1-based): chr17:74,862,891, G>A on the plus strand (C>T on the coding strand, the complement: FDXR is on the minus strand). VCF-style: chr17-74862891-G-A. GRCh37 (hg19) VCF-style: chr17-72859013-G-A.
Other names: c.1531C>T, p.Arg511Trp (NM_001258012.4); c.1495C>T, p.Arg499Trp (NM_001258013.4); c.1378C>T, p.Arg460Trp (NM_001258014.4); c.1282C>T, p.Arg428Trp (NM_001258015.3); c.1246C>T, p.Arg416Trp (NM_001258016.3); c.1420C>T, p.Arg474Trp (NM_004110.6); short protein forms R428W, R474W, R499W, R416W, R460W, R511W, R468W.
Identifiers: ClinVar variation 4256708 (VCV004256708.3).

ClinVar aggregate classification (germline): Uncertain significance. Review status: criteria provided, multiple submitters, no conflicts (2 of 4 stars). 3 submissions from 3 submitters: Uncertain significance (3). Last evaluated 2025-12-01.

Conditions:
Auditory neuropathy-optic atrophy syndrome. Also called: AUDITORY NEUROPATHY AND OPTIC ATROPHY; MULTIPLE MITOCHONDRIAL DYSFUNCTIONS SYNDROME 9A. Identifiers: Orphanet 542585, MedGen C4521678, MONDO:0060582, OMIM 617717.
Inborn genetic diseases. Identifiers: MedGen C0950123, MeSH D030342.

Submissions (3):

Department of Clinical Genetics, Copenhagen University Hospital, Rigshospitalet
Classification: Uncertain significance for Auditory neuropathy-optic atrophy syndrome. Last evaluated: 2025-12-01. Review status: criteria provided, single submitter. Criteria: ACMG Guidelines, 2015. Collection method: clinical testing. Allele origin: inherited. Observed: 1 variant allele.
Comment: PM2_supporting. Confirmed in trans with NM_024417.5(FDXR):c.271-14G>A (VUS).

Ambry Genetics
Classification: Uncertain significance for Inborn genetic diseases. Last evaluated: 2025-09-10. Review status: criteria provided, single submitter. Criteria: Ambry Variant Classification Scheme 2023. Collection method: clinical testing. Allele origin: germline.

Blueprint Genetics
Classification: Uncertain significance. Last evaluated: 2022-08-04. Review status: criteria provided, single submitter. Criteria: ACMG Guidelines, 2015. Collection method: clinical testing. Allele origin: germline.